The following is an entry in ClinVar:

NM_001267550.2(TTN):c.295+5G>A

Gene: TTN (titin; minus strand). Cytogenetic location: 2q31.2.
Variant type: single nucleotide variant.
Coding change: c.295+5G>A on transcript NM_001267550.2 (MANE Select); 5 bases into the intron after coding-DNA position 295, G replaced by A.
Molecular consequence: intron variant.
Genome position (GRCh38, 1-based): chr2:178,802,133, C>T on the plus strand (G>A on the coding strand, the complement: TTN is on the minus strand). VCF-style: chr2-178802133-C-T. GRCh37 (hg19) VCF-style: chr2-179666860-C-T.
Other names: c.295+5G>A (NM_003319.4, NM_133437.4, NM_133432.3 and 3 more transcripts).
Identifiers: ClinVar variation 466989 (VCV000466989.13), dbSNP rs56310717, ClinGen allele CA2006371.

ClinVar aggregate classification (germline): Uncertain significance. Review status: criteria provided, multiple submitters, no conflicts (2 of 4 stars). 3 submissions from 3 submitters: Uncertain significance (3). Last evaluated 2025-10-09.

Conditions:
Cardiovascular phenotype. Identifiers: MedGen CN230736.
Autosomal recessive limb-girdle muscular dystrophy type 2J (LGMDR10). Also called: Limb-girdle muscular dystrophy, type 2J; MUSCULAR DYSTROPHY, LIMB-GIRDLE, AUTOSOMAL RECESSIVE 10. Identifiers: Orphanet 140922, MedGen C1837342, MONDO:0012127, OMIM 608807.
Dilated cardiomyopathy 1G (CMD1G). Identifiers: Orphanet 154, MedGen C1858763, MONDO:0011400, OMIM 604145.
Myopathy, myofibrillar, 9, with early respiratory failure (MFM9). Also called: EDSTROM MYOPATHY; MYOPATHY, PROXIMAL, WITH EARLY RESPIRATORY MUSCLE INVOLVEMENT; Hereditary myopathy with early respiratory failure; Myopathy, distal, with early respiratory failure, autosomal dominant. Identifiers: Orphanet 178464, Orphanet 34521, MedGen C1863599, MONDO:0011362, OMIM 603689.
Hypertrophic cardiomyopathy 9. Also called: Familial hypertrophic cardiomyopathy 9. Identifiers: MedGen C1861065, MONDO:0013412, OMIM 613765.
Early-onset myopathy with fatal cardiomyopathy (CMYO5). Also called: Salih Myopathy; CONGENITAL MYOPATHY 5 WITH CARDIOMYOPATHY. Identifiers: Orphanet 289377, MedGen C2673677, MONDO:0012714, OMIM 611705. Disease mechanism: loss of function.
Tibial muscular dystrophy (TMD). Also called: UDD MYOPATHY; Tibial muscular dystrophy, tardive; Udd Distal Myopathy – Tibial Muscular Dystrophy. Identifiers: Orphanet 609, MedGen C1838244, MONDO:0010870, OMIM 600334.

Allele frequency attached by ClinVar (database versions not stated): TOPMed below 0.00001; gnomAD 0.00001; gnomAD exomes 0.00001 and 0.00004; ExAC 0.00002.
gnomAD v4.1: 54 of 1,613,902 alleles (0.0033%); highest among the groups gnomAD compares: Non-Finnish European, 0.0046%; no homozygotes.

Submissions (3):

Labcorp Genetics (formerly Invitae), Labcorp
Classification: Uncertain significance for Dilated cardiomyopathy 1G; Autosomal recessive limb-girdle muscular dystrophy type 2J. Last evaluated: 2025-10-09. Review status: criteria provided, single submitter. Criteria: Invitae Variant Classification Sherloc (09022015). Collection method: clinical testing. Allele origin: germline.
Comment: This sequence change falls in intron 3 of the TTN gene. It does not directly change the encoded amino acid sequence of the TTN protein. It affects a nucleotide within the consensus splice site. This variant is present in population databases (rs56310717, gnomAD 0.003%). This variant has not been reported in the literature in individuals affected with TTN-related conditions. ClinVar contains an entry for this variant (Variation ID: 466989). Variants that disrupt the consensus splice site are a relatively common cause of aberrant splicing (PMID: 17576681, 9536098). Algorithms developed to predict the effect of sequence changes on RNA splicing suggest that this variant is not likely to affect RNA splicing. This variant is located in the Z band of TTN (PMID: 25589632). Non-truncating variants in this region may be clinically relevant, but have not been definitively shown to cause cardiomyopathy or neuromuscular disease (PMID: 27493940, 32778822). In summary, the available evidence is currently insufficient to determine the role of this variant in disease. Therefore, it has been classified as a Variant of Uncertain Significance.

Ambry Genetics
Classification: Uncertain significance for Cardiovascular phenotype. Last evaluated: 2025-10-01. Review status: criteria provided, single submitter. Criteria: Ambry Variant Classification Scheme 2023. Collection method: clinical testing. Allele origin: germline.
Comment: The c.295+5G>A intronic variant results from a G to A substitution 5 nucleotides after coding exon 2 in the TTN gene. This nucleotide position is well conserved in available vertebrate species. In silico splice site analysis predicts that this alteration will not have any significant effect on splicing. Based on the available evidence, the clinical significance of this variant remains unclear.

Fulgent Genetics
Classification: Uncertain significance for Tibial muscular dystrophy; Myopathy, myofibrillar, 9, with early respiratory failure; Dilated cardiomyopathy 1G; Autosomal recessive limb-girdle muscular dystrophy type 2J; Early-onset myopathy with fatal cardiomyopathy; Hypertrophic cardiomyopathy 9. Last evaluated: 2021-11-01. Review status: criteria provided, single submitter. Criteria: ACMG Guidelines, 2015. Collection method: clinical testing. Allele origin: unknown.

Literature cited by the submitters: PubMed 17576681 (cited by Labcorp Genetics (formerly Invitae), Labcorp); PubMed 9536098 (cited by Labcorp Genetics (formerly Invitae), Labcorp); PubMed 25589632 (cited by Labcorp Genetics (formerly Invitae), Labcorp); PubMed 27493940 (cited by Labcorp Genetics (formerly Invitae), Labcorp); PubMed 32778822 (cited by Labcorp Genetics (formerly Invitae), Labcorp).